The following is an entry in ClinVar:

NM_024652.6(LRRK1):c.1591C>G (p.Arg531Gly)

Genes: LRRK1 (leucine rich repeat kinase 1; plus strand), LOC125146368 (Sharpr-MPRA regulatory region 13394; plus strand). Cytogenetic location: 15q26.3.
Variant type: single nucleotide variant.
Coding change: c.1591C>G on transcript NM_024652.6 (MANE Select); coding-DNA position 1591, C replaced by G.
Protein change: p.Arg531Gly; replaces arginine 531 with glycine.
Molecular consequence: missense variant.
Genome position (GRCh38, 1-based): chr15:101,015,384, C>G. VCF-style: chr15-101015384-C-G. GRCh37 (hg19) VCF-style: chr15-101555589-C-G.
Other names: c.1591C>G (NM_024652.3); short protein forms R531G.
Identifiers: ClinVar variation 1490125 (VCV001490125.6), dbSNP rs200499483, ClinGen allele CA7760942.

ClinVar aggregate classification (germline): Uncertain significance. Review status: criteria provided, multiple submitters, no conflicts (2 of 4 stars). 2 submissions from 2 submitters: Uncertain significance (2). Last evaluated 2023-09-22.

Conditions:
Inborn genetic diseases. Identifiers: MedGen C0950123, MeSH D030342.

Allele frequency attached by ClinVar (database versions not stated): ExAC 0.00007; gnomAD exomes 0.00007; ESP Exome Variant Server 0.00008.
gnomAD v4.1: 59 of 1,613,234 alleles (0.0037%); highest among the groups gnomAD compares: Non-Finnish European, 0.0036%; no homozygotes.

Submissions (2):

Ambry Genetics
Classification: Uncertain significance for Inborn genetic diseases. Last evaluated: 2023-09-22. Review status: criteria provided, single submitter. Criteria: Ambry Variant Classification Scheme 2023. Collection method: clinical testing. Allele origin: germline.

Labcorp Genetics (formerly Invitae), Labcorp
Classification: Uncertain significance. Last evaluated: 2022-07-25. Review status: criteria provided, single submitter. Criteria: Invitae Variant Classification Sherloc (09022015). Collection method: clinical testing. Allele origin: germline.
Comment: This sequence change replaces arginine, which is basic and polar, with glycine, which is neutral and non-polar, at codon 531 of the LRRK1 protein (p.Arg531Gly). This variant is present in population databases (rs200499483, gnomAD 0.03%). This variant has not been reported in the literature in individuals affected with LRRK1-related conditions. ClinVar contains an entry for this variant (Variation ID: 1490125). Algorithms developed to predict the effect of missense changes on protein structure and function (SIFT, PolyPhen-2, Align-GVGD) all suggest that this variant is likely to be tolerated. In summary, the available evidence is currently insufficient to determine the role of this variant in disease. Therefore, it has been classified as a Variant of Uncertain Significance.